The following is an entry in ClinVar:

NM_002076.4(GNS):c.596A>G (p.Tyr199Cys)

Gene: GNS (glucosamine (N-acetyl)-6-sulfatase; minus strand). Cytogenetic location: 12q14.3.
Variant type: single nucleotide variant.
Coding change: c.596A>G on transcript NM_002076.4 (MANE Select); coding-DNA position 596, A replaced by G.
Protein change: p.Tyr199Cys; replaces tyrosine 199 with cysteine.
Molecular consequence: missense variant.
Genome position (GRCh38, 1-based): chr12:64,744,837, T>C on the plus strand (A>G on the coding strand, the complement: GNS is on the minus strand). VCF-style: chr12-64744837-T-C. GRCh37 (hg19) VCF-style: chr12-65138617-T-C.
Other names: c.596A>G (NM_002076.3); short protein forms Y199C.
Identifiers: ClinVar variation 2141548 (VCV002141548.2), dbSNP rs760693972, ClinGen allele CA238290980.

ClinVar aggregate classification (germline): Uncertain significance. Review status: criteria provided, multiple submitters, no conflicts (2 of 4 stars). 2 submissions from 2 submitters: Uncertain significance (2). Last evaluated 2024-12-12.

Conditions:
Inborn genetic diseases. Identifiers: MedGen C0950123, MeSH D030342.
Mucopolysaccharidosis, MPS-III-D (MPS3D). Also called: N-ACETYLGLUCOSAMINE-6-SULFATASE DEFICIENCY; SANFILIPPO SYNDROME D; MPS III D; Mucopoly-saccharidosis type 3D; N-acetylglucosamine-6-sulfate sulfatase deficiency; MPS 3D. Identifiers: Orphanet 581, Orphanet 79272, MedGen C0086650, MONDO:0009658, OMIM 252940.

Allele frequency attached by ClinVar (database versions not stated): TOPMed below 0.00001; gnomAD exomes below 0.00001.
gnomAD v4.1: 6 of 1,549,740 alleles (0.00039%); highest among the groups gnomAD compares: East Asian, 0.0045%; no homozygotes.

Submissions (2):

Ambry Genetics
Classification: Uncertain significance for Inborn genetic diseases. Last evaluated: 2024-12-12. Review status: criteria provided, single submitter. Criteria: Ambry Variant Classification Scheme 2023. Collection method: clinical testing. Allele origin: germline.

Labcorp Genetics (formerly Invitae), Labcorp
Classification: Uncertain significance for Mucopolysaccharidosis, MPS-III-D. Last evaluated: 2022-04-19. Review status: criteria provided, single submitter. Criteria: Invitae Variant Classification Sherloc (09022015). Collection method: clinical testing. Allele origin: germline.
Comment: This sequence change replaces tyrosine, which is neutral and polar, with cysteine, which is neutral and slightly polar, at codon 199 of the GNS protein (p.Tyr199Cys). This variant is present in population databases (rs760693972, gnomAD 0.003%). This variant has not been reported in the literature in individuals affected with GNS-related conditions. Algorithms developed to predict the effect of missense changes on protein structure and function (SIFT, PolyPhen-2, Align-GVGD) all suggest that this variant is likely to be disruptive. In summary, the available evidence is currently insufficient to determine the role of this variant in disease. Therefore, it has been classified as a Variant of Uncertain Significance.